The following is an entry in ClinVar:

NM_005462.5(MAGEC1):c.617T>C (p.Phe206Ser)

Gene: MAGEC1 (MAGE family member C1; plus strand). Cytogenetic location: Xq27.2.
Variant type: single nucleotide variant.
Coding change: c.617T>C on transcript NM_005462.5 (MANE Select); coding-DNA position 617, T replaced by C.
Protein change: p.Phe206Ser; replaces phenylalanine 206 with serine.
Molecular consequence: missense variant.
Genome position (GRCh38, 1-based): chrX:141,906,021, T>C. VCF-style: chrX-141906021-T-C. GRCh37 (hg19) VCF-style: chrX-140993807-T-C.
Other names: c.617T>C (NM_005462.4); short protein forms F206S.
Identifiers: ClinVar variation 2661555 (VCV002661555.24), dbSNP rs140674361, ClinGen allele CA10533182.
Genomic context (GRCh38, chrX:141,906,021, plus strand): 5'-CTCAAAGTCCTTTTGAGGGTTTTCCCCAGTCTCCACTCCAGATTCCTGTGAGCCGCTCCT[T>C]CTCCTCCACTTTATTGAGTATTTTCCAGAGTTCCCCTGAGAGAACTCAGAGTACTTTTGA-3'
Protein context (NP_005453.2, residues 196-216): SPLQIPVSRS[Phe206Ser]SSTLLSIFQS

ClinVar aggregate classification (germline): Conflicting classifications of pathogenicity. Review status: criteria provided, conflicting classifications (1 of 4 stars). 2 submissions from 2 submitters: Uncertain significance (1); Likely benign (1). Last evaluated 2026-08-01.

Submissions (2):

CeGaT Center for Human Genetics Tuebingen
Classification: Likely benign. Last evaluated: 2026-08-01. Review status: criteria provided, single submitter. Criteria: CeGaT Center For Human Genetics Tuebingen Variant Classification Criteria Version 2. Collection method: clinical testing. Allele origin: germline. Affected: yes. Observed: 2 variant alleles.
Comment: MAGEC1: BP4, BS2

Ambry Genetics
Classification: Uncertain significance. Last evaluated: 2025-04-09. Review status: criteria provided, single submitter. Criteria: Ambry Variant Classification Scheme 2023. Collection method: clinical testing. Allele origin: germline.